The following is an entry in ClinVar:

ClinVar aggregate classification (germline): Conflicting classifications of pathogenicity. Review status: criteria provided, conflicting classifications (1 of 4 stars). 5 submissions from 5 submitters: Uncertain significance (4); Likely benign (1). Last evaluated 2026-02-04.

Conditions:
OTOF-related disorder. Also called: OTOF-related condition.
Childhood onset hearing loss.

Allele frequency attached by ClinVar (database versions not stated): gnomAD exomes 0.00009 and 0.00021; ExAC 0.00027; 1000 Genomes Project 30x 0.00047; 1000 Genomes Project 0.00060; gnomAD 0.00097 and 0.00103; ESP Exome Variant Server 0.00115; TOPMed 0.00117.
gnomAD v4.1: 274 of 1,613,758 alleles (0.017%); highest among the groups gnomAD compares: African/African-American, 0.33%; no homozygotes.

Submissions (5):

Labcorp Genetics (formerly Invitae), Labcorp
Classification: Likely benign. Last evaluated: 2026-02-04. Review status: criteria provided, single submitter. Criteria: Invitae Variant Classification Sherloc (09022015). Collection method: clinical testing. Allele origin: germline.

PreventionGenetics, part of Exact Sciences
Classification: Uncertain significance for OTOF-related condition. Last evaluated: 2025-06-05. Review status: criteria provided, single submitter. Criteria: ACMG Guidelines, 2015. Collection method: clinical testing. Allele origin: germline.
Comment: The OTOF c.3917A>C variant is predicted to result in the amino acid substitution p.Lys1306Thr. This variant was reported in the compound heterozygous state in an individual with hearing loss, although this individual also had potentially causative variants in another gene (Adeyemo. 2022. PubMed ID: 34837038). This variant is reported in 0.27% of alleles in individuals of African descent in gnomAD, which is likely too high for causative variant. Although we suspect that this variant may be benign, at this time, the clinical significance of this variant is uncertain due to the absence of conclusive functional and genetic evidence.

Blueprint Genetics
Classification: Uncertain significance. Last evaluated: 2023-06-06. Review status: criteria provided, single submitter. Criteria: ACMG Guidelines, 2015. Collection method: clinical testing. Allele origin: germline.

National Institute on Deafness and Communication Disorders, National Institutes of Health
Classification: Uncertain significance for Childhood onset hearing loss. Last evaluated: 2021-07-08. Review status: criteria provided, single submitter. Criteria: ClinGen HL ACMG Specifications v1. Collection method: research. Allele origin: germline. Inheritance: Autosomal recessive inheritance. Affected: yes. Observed: 1 heterozygote. Segregation with disease not observed.
Comment: PP3 (non REVEL) / Modifications from PMID: 30311386 for classification: The genetic causes of hearing loss have not yet been well characterized in the Yoruba population, and the information regarding variant MAF in this population is still limited, so we did not exclude any variant based on their "high" MAF. PP3 criteria was applied even if the REVEL score was below 0.7, if at least two of the pathogenicity prediction algorithms used predicted that the variant was damaging or likely damaging.

was found associated with NM_194248.3:c.245G>A

GeneDx
Classification: Uncertain significance. Last evaluated: 2021-06-15. Review status: criteria provided, single submitter. Criteria: GeneDx Variant Classification Process June 2021. Collection method: clinical testing. Allele origin: germline. Affected: yes.
Comment: In silico analysis, which includes protein predictors and evolutionary conservation, supports that this variant does not alter protein structure/function; Has not been previously published as pathogenic or benign to our knowledge

NM_194248.3(OTOF):c.3917A>C (p.Lys1306Thr)

Gene: OTOF (otoferlin; minus strand). Cytogenetic location: 2p23.3.
Variant type: single nucleotide variant.
Coding change: c.3917A>C on transcript NM_194248.3 (MANE Select); coding-DNA position 3917, A replaced by C.
Protein change: p.Lys1306Thr; replaces lysine 1306 with threonine.
Molecular consequence: missense variant.
Genome position (GRCh38, 1-based): chr2:26,470,699, T>G on the plus strand (A>C on the coding strand, the complement: OTOF is on the minus strand). VCF-style: chr2-26470699-T-G. GRCh37 (hg19) VCF-style: chr2-26693567-T-G.
Other names: c.3917A>C, p.Lys1306Thr (NM_001287489.2); c.1616A>C, p.Lys539Thr (NM_004802.4, NM_194323.3); c.1847A>C, p.Lys616Thr (NM_194322.3); c.3917A>C (NM_194248.2); short protein forms K1306T, K539T, K616T.
Identifiers: ClinVar variation 1027561 (VCV001027561.13), dbSNP rs62641623, ClinGen allele CA1563358.